The following is an entry in ClinVar:

ClinVar aggregate classification (germline): Uncertain significance (1 of 4 stars; one submission).

Submission:

GeneDx
Classification: Uncertain significance. Last evaluated: 2025-07-30. Review status: criteria provided, single submitter. Criteria: GeneDx Variant Classification Process June 2021. Collection method: clinical testing. Allele origin: germline.
Comment: Not observed at significant frequency in large population cohorts (gnomAD); In silico analysis supports that this missense variant has a deleterious effect on protein structure/function; Has not been previously published as pathogenic or benign to our knowledge

NM_014233.4(UBTF):c.495C>A (p.Phe165Leu)

Genes: ATXN7L3-AS1 (ATXN7L3 antisense RNA 1; plus strand), UBTF (upstream binding transcription factor; minus strand). Cytogenetic location: 17q21.31.
Variant type: single nucleotide variant.
Coding change: c.495C>A on transcript NM_014233.4 (MANE Select); coding-DNA position 495, C replaced by A.
Protein change: p.Phe165Leu; replaces phenylalanine 165 with leucine.
Molecular consequence: missense variant. On other transcripts: non-coding transcript variant (1).
Genome position (GRCh38, 1-based): chr17:44,213,262, G>T on the plus strand (C>A on the coding strand, the complement: UBTF is on the minus strand). VCF-style: chr17-44213262-G-T. GRCh37 (hg19) VCF-style: chr17-42290630-G-T.
Other names: c.495C>A, p.Phe165Leu (NM_001076683.2, NM_001076684.3); short protein forms F165L.
Identifiers: ClinVar variation 4055800 (VCV004055800.2).